The following is an entry in ClinVar:

NM_000733.4(CD3E):c.617G>A (p.Arg206His)

Gene: CD3E (CD3 epsilon subunit of T-cell receptor complex; plus strand). Cytogenetic location: 11q23.3.
Variant type: single nucleotide variant.
Coding change: c.617G>A on transcript NM_000733.4 (MANE Select); coding-DNA position 617, G replaced by A.
Protein change: p.Arg206His; replaces arginine 206 with histidine.
Molecular consequence: missense variant.
Genome position (GRCh38, 1-based): chr11:118,315,535, G>A. VCF-style: chr11-118315535-G-A. GRCh37 (hg19) VCF-style: chr11-118186250-G-A.
Other names: short protein forms R206H.
Identifiers: ClinVar variation 652168 (VCV000652168.8), dbSNP rs200083794, ClinGen allele CA6301823.

ClinVar aggregate classification (germline): Uncertain significance. Review status: criteria provided, multiple submitters, no conflicts (2 of 4 stars). 2 submissions from 2 submitters: Uncertain significance (2). Last evaluated 2025-05-06.

Conditions:
Immunodeficiency 18 (IMD18). Also called: CD3epsilon deficiency; CD3-EPSILON DEFICIENCY. Identifiers: MedGen C3810127, MONDO:0014278, OMIM 615615.
Inborn genetic diseases. Identifiers: MedGen C0950123, MeSH D030342.

Allele frequency attached by ClinVar (database versions not stated): ExAC 0.00003; TOPMed 0.00005; gnomAD exomes 0.00004; gnomAD 0.00002.

Submissions (2):

Ambry Genetics
Classification: Uncertain significance for Inborn genetic diseases. Last evaluated: 2025-05-06. Review status: criteria provided, single submitter. Criteria: Ambry Variant Classification Scheme 2023. Collection method: clinical testing. Allele origin: germline.

Labcorp Genetics (formerly Invitae), Labcorp
Classification: Uncertain significance for Immunodeficiency 18. Last evaluated: 2022-08-22. Review status: criteria provided, single submitter. Criteria: Invitae Variant Classification Sherloc (09022015). Collection method: clinical testing. Allele origin: germline.
Comment: This sequence change replaces arginine, which is basic and polar, with histidine, which is basic and polar, at codon 206 of the CD3E protein (p.Arg206His). This variant is present in population databases (rs200083794, gnomAD 0.07%). This variant has not been reported in the literature in individuals affected with CD3E-related conditions. ClinVar contains an entry for this variant (Variation ID: 652168). Algorithms developed to predict the effect of missense changes on protein structure and function (SIFT, PolyPhen-2, Align-GVGD) all suggest that this variant is likely to be tolerated. In summary, the available evidence is currently insufficient to determine the role of this variant in disease. Therefore, it has been classified as a Variant of Uncertain Significance.